The following is an entry in ClinVar:

NM_194248.3(OTOF):c.3256G>A (p.Gly1086Arg)

Gene: OTOF (otoferlin; minus strand). Cytogenetic location: 2p23.3.
Variant type: single nucleotide variant.
Coding change: c.3256G>A on transcript NM_194248.3 (MANE Select); coding-DNA position 3256, G replaced by A.
Protein change: p.Gly1086Arg; replaces glycine 1086 with arginine.
Molecular consequence: missense variant.
Genome position (GRCh38, 1-based): chr2:26,474,545, C>T on the plus strand (G>A on the coding strand, the complement: OTOF is on the minus strand). VCF-style: chr2-26474545-C-T. GRCh37 (hg19) VCF-style: chr2-26697413-C-T.
Other names: c.3256G>A, p.Gly1086Arg (NM_001287489.2); c.1015G>A, p.Gly339Arg (NM_004802.4, NM_194323.3); c.1186G>A, p.Gly396Arg (NM_194322.3); short protein forms G1086R, G339R, G396R.
Identifiers: ClinVar variation 4537342 (VCV004537342.1).

ClinVar aggregate classification (germline): Uncertain significance (1 of 4 stars; one submission).

Submission:

Women's Health and Genetics/Laboratory Corporation of America, LabCorp
Classification: Uncertain significance. Last evaluated: 2025-11-18. Review status: criteria provided, single submitter. Criteria: LabCorp Variant Classification Summary - May 2015. Collection method: clinical testing. Allele origin: germline.
Comment: Variant summary: OTOF c.3256G>A (p.Gly1086Arg) results in a non-conservative amino acid change in the encoded protein sequence. Algorithms developed to predict the effect of missense changes on protein structure and function all suggest that this variant is likely to be disruptive. The variant was absent in 248354 control chromosomes (gnomAD). The available data on variant occurrences in the general population are insufficient to allow any conclusion about variant significance. c.3256G>A has been observed in individuals affected with auditory neuropathy and hearing loss (Kitao_2019, Usami_2022). These data do not allow any conclusion about variant significance. To our knowledge, no experimental evidence demonstrating an impact on protein function has been reported. The following publications have been ascertained in the context of this evaluation (PMID: 30410993, 29688962, 34599366). No submitters have cited clinical-significance assessments for this variant to ClinVar. Based on the evidence outlined above, the variant was classified as uncertain significance.

Literature cited by the submitters: PubMed 34599366; PubMed 30410993; PubMed 29688962.